The following is an entry in ClinVar:

ClinVar aggregate classification (germline): Uncertain significance (1 of 4 stars; one submission).

Conditions:
Aortic valve disease 2 (AOVD2). Identifiers: MedGen C3542024, MONDO:0013902, OMIM 614823.

Submission:

Labcorp Genetics (formerly Invitae), Labcorp
Classification: Uncertain significance for Aortic valve disease 2. Last evaluated: 2019-03-04. Review status: criteria provided, single submitter. Criteria: Invitae Variant Classification Sherloc (09022015). Collection method: clinical testing. Allele origin: germline.
Comment: In summary, the available evidence is currently insufficient to determine the role of this variant in disease. Therefore, it has been classified as a Variant of Uncertain Significance. Experimental studies and prediction algorithms are not available for this variant, and the functional significance of the affected amino acid(s) is currently unknown. This variant has not been reported in the literature in individuals with SMAD6-related conditions. This variant is not present in population databases (ExAC no frequency). This sequence change results in a premature translational stop signal in the SMAD6 gene (p.Tyr347Leufs*192). While this is not anticipated to result in nonsense mediated decay, it is expected to disrupt the last 150 amino acids of the SMAD6 protein.

NM_005585.5(SMAD6):c.1040del (p.Tyr347fs)

Gene: SMAD6 (SMAD family member 6; plus strand). Cytogenetic location: 15q22.31.
Variant type: Deletion.
Coding change: c.1040del on transcript NM_005585.5 (MANE Select); coding-DNA position 1040, one base deleted (A; older notation c.1040delA).
Protein change: p.Tyr347fs; shifts the reading frame from tyrosine 347.
Molecular consequence: frameshift variant. On other transcripts: non-coding transcript variant (1).
Genome position (GRCh38, 1-based): chr15:66,781,084, A deleted. VCF-style (leftmost placement, unchanged base first): chr15-66781083-TA-T. GRCh37 (hg19) VCF-style: chr15-67073421-TA-T.
Other names: short protein forms Y347fs.
Identifiers: ClinVar variation 864659 (VCV000864659.9), dbSNP rs1894554603, ClinGen allele CA916083431.